The following is an entry in ClinVar:

NM_000222.3(KIT):c.171A>T (p.Leu57Phe)

Gene: KIT (KIT proto-oncogene, receptor tyrosine kinase; plus strand). Cytogenetic location: 4q12.
Variant type: single nucleotide variant.
Coding change: c.171A>T on transcript NM_000222.3 (MANE Select); coding-DNA position 171, A replaced by T.
Protein change: p.Leu57Phe; replaces leucine 57 with phenylalanine.
Molecular consequence: missense variant.
Genome position (GRCh38, 1-based): chr4:54,695,615, A>T. VCF-style: chr4-54695615-A-T. GRCh37 (hg19) VCF-style: chr4-55561781-A-T.
Other names: c.171A>T, p.Leu57Phe (NM_001385284.1, NM_001385285.1, NM_001385286.1 and 4 more transcripts); short protein forms L57F.
Identifiers: ClinVar variation 3534691 (VCV003534691.1).
Genomic context (GRCh38, chr4:54,695,615, plus strand): 5'-ATCCATCCATCCAGGAAAATCAGACTTAATAGTCCGCGTGGGCGACGAGATTAGGCTGTT[A>T]TGCACTGATCCGGGCTTTGTCAAATGGACTTTTGAGATCCTGGATGAAACGAATGAGAAT-3'
Protein context (NP_000213.1, residues 47-67): IVRVGDEIRL[Leu57Phe]CTDPGFVKWT

ClinVar aggregate classification (germline): Uncertain significance (1 of 4 stars; one submission).

Conditions:
Hereditary cancer-predisposing syndrome. Also called: Hereditary Cancer Syndrome; Hereditary neoplastic syndrome; Tumor predisposition; Neoplastic Syndromes, Hereditary. Identifiers: Orphanet 140162, MedGen C0027672, MeSH D009386, MONDO:0015356.

gnomAD v4.1: 1 of 1,614,250 alleles (0.000062%); highest among the groups gnomAD compares: Admixed American, 0.0017%; no homozygotes.

Submission:

Ambry Genetics
Classification: Uncertain significance for Hereditary cancer-predisposing syndrome. Last evaluated: 2024-06-25. Review status: criteria provided, single submitter. Criteria: Ambry Variant Classification Scheme 2023. Collection method: clinical testing. Allele origin: germline.
Comment: The p.L57F variant (also known as c.171A>T), located in coding exon 2 of the KIT gene, results from an A to T substitution at nucleotide position 171. The leucine at codon 57 is replaced by phenylalanine, an amino acid with highly similar properties. This amino acid position is conserved. In addition, this alteration is predicted to be tolerated by in silico analysis. Based on the available evidence, the clinical significance of this variant remains unclear.